The following is an entry in ClinVar:

NM_017514.5(PLXNA3):c.1922T>C (p.Leu641Pro)

Gene: PLXNA3 (plexin A3; plus strand). Cytogenetic location: Xq28.
Variant type: single nucleotide variant.
Coding change: c.1922T>C on transcript NM_017514.5 (MANE Select); coding-DNA position 1922, T replaced by C.
Protein change: p.Leu641Pro; replaces leucine 641 with proline.
Molecular consequence: missense variant.
Genome position (GRCh38, 1-based): chrX:154,464,495, T>C. VCF-style: chrX-154464495-T-C. GRCh37 (hg19) VCF-style: chrX-153692838-T-C.
Other names: short protein forms L641P.
Identifiers: ClinVar variation 4999152 (VCV004999152.1).

ClinVar aggregate classification (germline): Uncertain significance (1 of 4 stars; one submission).

Conditions:
PLXNA3-related disorder. Also called: PLXNA3-related condition.

Submission:

PreventionGenetics, part of Exact Sciences
Classification: Uncertain significance for PLXNA3-related condition. Last evaluated: 2025-01-29. Review status: criteria provided, single submitter. Criteria: ACMG Guidelines, 2015. Collection method: clinical testing. Allele origin: germline.
Comment: The PLXNA3 c.1922T>C variant is predicted to result in the amino acid substitution p.Leu641Pro. To our knowledge, this variant has not been reported in the literature or in a large population database (gnomAD), indicating this variant is rare. At this time, the clinical significance of this variant is uncertain due to the absence of conclusive functional and genetic evidence.